The following is an entry in ClinVar:

NM_001256789.3(CACNA1F):c.148C>T (p.Arg50Ter)

Gene: CACNA1F (calcium voltage-gated channel subunit alpha1 F; minus strand). Cytogenetic location: Xp11.23.
Variant type: single nucleotide variant.
Coding change: c.148C>T on transcript NM_001256789.3 (MANE Select); coding-DNA position 148, C replaced by T.
Protein change: p.Arg50Ter; replaces arginine 50 with a stop codon.
Molecular consequence: nonsense. On other transcripts: intron variant (1).
Genome position (GRCh38, 1-based): chrX:49,231,805, G>A on the plus strand (C>T on the coding strand, the complement: CACNA1F is on the minus strand). VCF-style: chrX-49231805-G-A. GRCh37 (hg19) VCF-style: chrX-49088267-G-A.
Other names: c.148C>T, p.Arg50Ter (NM_005183.4); c.66-113C>T (NM_001256790.3); short protein forms R50*.
Identifiers: ClinVar variation 265465 (VCV000265465.9), dbSNP rs886039560, ClinGen allele CA10588792.

ClinVar aggregate classification (germline): Pathogenic. Review status: criteria provided, multiple submitters, no conflicts (2 of 4 stars). 5 submissions from 5 submitters: Pathogenic (5). Last evaluated 2024-09-28.

Conditions:
CACNA1F-related disorder. Also called: CACNA1F-related condition.
Congenital stationary night blindness 2A (CSNB2A). Also called: Night blindness, congenital stationary (incomplete), 2A, X-linked; CSNB, INCOMPLETE, X-LINKED; CACNA1F-Related X-Linked Congenital Stationary Night Blindness; NIGHT BLINDNESS, CONGENITAL STATIONARY, TYPE 2. Identifiers: Orphanet 215, MedGen C1848172, MONDO:0010241, OMIM 300071.
X-linked cone-rod dystrophy 3 (CORDX3). Identifiers: Orphanet 1872, MedGen C1845407, MONDO:0010335, OMIM 300476.

Allele frequency attached by ClinVar (database versions not stated): gnomAD exomes 0.00001.

Submissions (5):

3billion
Classification: Pathogenic for X-linked cone-rod dystrophy 3. Last evaluated: 2024-09-28. Review status: criteria provided, single submitter. Criteria: ACMG Guidelines, 2015. Collection method: clinical testing. Allele origin: germline. Affected: yes.
Comment: The variant is observed at an extremely low frequency in the gnomAD v4.1.0 dataset (total allele frequency: <0.001%). Predicted Consequence/Location: Stop-gained (nonsense): predicted to result in a loss or disruption of normal protein function through nonsense-mediated decay (NMD) or protein truncation. Multiple pathogenic variants are reported downstream of the variant. The variant has been reported at least twice as pathogenic with clinical assertions and evidence for the classification (ClinVar ID: VCV000265465 /PMID: 11281458). Therefore, this variant is classified as Pathogenic according to the recommendation of ACMG/AMP guideline.

Genomic Medicine Center of Excellence, King Faisal Specialist Hospital and Research Centre
Classification: Pathogenic for Congenital stationary night blindness 2A. Last evaluated: 2024-03-26. Review status: criteria provided, single submitter. Criteria: ACMG Guidelines, 2015. Collection method: clinical testing. Allele origin: germline.

Labcorp Genetics (formerly Invitae), Labcorp
Classification: Pathogenic. Last evaluated: 2023-01-14. Review status: criteria provided, single submitter. Criteria: Invitae Variant Classification Sherloc (09022015). Collection method: clinical testing. Allele origin: germline.
Comment: This sequence change creates a premature translational stop signal (p.Arg50*) in the CACNA1F gene. It is expected to result in an absent or disrupted protein product. Loss-of-function variants in CACNA1F are known to be pathogenic (PMID: 9662399, 11281458, 17525176, 22194652, 24124559, 26992781). For these reasons, this variant has been classified as Pathogenic. ClinVar contains an entry for this variant (Variation ID: 265465). This premature translational stop signal has been observed in individual(s) with congenital stationary night blindness (PMID: 11281458, 30653986). The frequency data for this variant in the population databases is considered unreliable, as metrics indicate poor data quality at this position in the gnomAD database.

Blueprint Genetics
Classification: Pathogenic for CACNA1F-related disorders. Last evaluated: 2022-11-03. Review status: criteria provided, single submitter. Criteria: ACMG Guidelines, 2015. Collection method: clinical testing. Allele origin: germline. Affected: yes. Observed: 3 variant alleles.

GeneDx
Classification: Pathogenic. Last evaluated: 2016-02-16. Review status: criteria provided, single submitter. Criteria: GeneDx Variant Classification (06012015). Collection method: clinical testing. Allele origin: germline. Affected: yes.
Comment: The R50X nonsense pathogenic variant in the CACNA1F gene has been previously published in association with incomplete X-linked congenital stationary night blindness (CSNB) (Boycott et al., 2001). The variant is predicted to cause loss of normal protein function either through protein truncation or nonsense-mediated mRNA decay. R50X was not observed in approximately 6,500 individuals of European and African American ancestry in the NHLBI Exome Sequencing Project, indicating it is not a common benign variant in these populations. Therefore, this variant is pathogenic.

Literature cited by the submitters: PubMed 11281458 (cited by 3billion and Labcorp Genetics (formerly Invitae), Labcorp); PubMed 9662399 (cited by Labcorp Genetics (formerly Invitae), Labcorp); PubMed 17525176 (cited by Labcorp Genetics (formerly Invitae), Labcorp); PubMed 22194652 (cited by Labcorp Genetics (formerly Invitae), Labcorp); PubMed 24124559 (cited by Labcorp Genetics (formerly Invitae), Labcorp); PubMed 26992781 (cited by Labcorp Genetics (formerly Invitae), Labcorp); PubMed 30653986 (cited by Labcorp Genetics (formerly Invitae), Labcorp).